The following is an entry in ClinVar:

ClinVar aggregate classification (germline): Uncertain significance (1 of 4 stars; one submission).

Conditions:
Inborn genetic diseases. Identifiers: MedGen C0950123, MeSH D030342.

Allele frequency attached by ClinVar (database versions not stated): TOPMed below 0.00001; gnomAD 0.00001.
gnomAD v4.1: 6 of 1,614,082 alleles (0.00037%); highest among the groups gnomAD compares: Non-Finnish European, 0.00051%; no homozygotes.

Submission:

Ambry Genetics
Classification: Uncertain significance for Inborn genetic diseases. Last evaluated: 2022-01-13. Review status: criteria provided, single submitter. Criteria: Ambry Variant Classification Scheme 2023. Collection method: clinical testing. Allele origin: germline.
Comment: The p.R26W variant (also known as c.76C>T), located in coding exon 2 of the EPAS1 gene, results from a C to T substitution at nucleotide position 76. The arginine at codon 26 is replaced by tryptophan, an amino acid with dissimilar properties. This amino acid position is conserved. In addition, this alteration is predicted to be deleterious by in silico analysis. Since supporting evidence is limited at this time, the clinical significance of this alteration remains unclear.

NM_001430.5(EPAS1):c.76C>T (p.Arg26Trp)

Gene: EPAS1 (endothelial PAS domain protein 1; plus strand). Cytogenetic location: 2p21.
Variant type: single nucleotide variant.
Coding change: c.76C>T on transcript NM_001430.5 (MANE Select); coding-DNA position 76, C replaced by T.
Protein change: p.Arg26Trp; replaces arginine 26 with tryptophan.
Molecular consequence: missense variant.
Genome position (GRCh38, 1-based): chr2:46,346,922, C>T. VCF-style: chr2-46346922-C-T. GRCh37 (hg19) VCF-style: chr2-46574061-C-T.
Other names: short protein forms R26W.
Identifiers: ClinVar variation 1760206 (VCV001760206.2), dbSNP rs1684040885, ClinGen allele CA346696942.